The following is an entry in ClinVar:

ClinVar aggregate classification (germline): Uncertain significance (1 of 4 stars; one submission).

Conditions:
Loeys-Dietz syndrome 2 (LDS2). Also called: TGFBR2-Related Loeys-Dietz Syndrome; Marfan Syndrome type 2; Marfan like connective tissue disorder; MFS 2; Marfan syndrome, type 2 (formerly); AORTIC ANEURYSM, FAMILIAL THORACIC 3. Identifiers: Orphanet 284973, Orphanet 558, MedGen C2674574, MONDO:0012427, OMIM 610168.

gnomAD v4.1: 9 of 1,614,128 alleles (0.00056%); highest among the groups gnomAD compares: Non-Finnish European, 0.00076%; no homozygotes.

Submission:

Labcorp Genetics (formerly Invitae), Labcorp
Classification: Uncertain significance for Loeys-Dietz syndrome 2. Last evaluated: 2021-02-22. Review status: criteria provided, single submitter. Criteria: Invitae Variant Classification Sherloc (09022015). Collection method: clinical testing. Allele origin: germline.
Comment: Algorithms developed to predict the effect of sequence changes on RNA splicing suggest that this variant may create or strengthen a splice site, but this prediction has not been confirmed by published transcriptional studies. In summary, the available evidence is currently insufficient to determine the role of this variant in disease. Therefore, it has been classified as a Variant of Uncertain Significance. Algorithms developed to predict the effect of missense changes on protein structure and function (SIFT, PolyPhen-2, Align-GVGD) all suggest that this variant is likely to be tolerated, but these predictions have not been confirmed by published functional studies and their clinical significance is uncertain. This variant has not been reported in the literature in individuals with TMPO-related conditions. This variant is not present in population databases (ExAC no frequency). This sequence change replaces leucine with valine at codon 550 of the TMPO protein (p.Leu550Val). The leucine residue is weakly conserved and there is a small physicochemical difference between leucine and valine.

NM_001032283.3(TMPO):c.565+2067C>G

Gene: TMPO (thymopoietin; plus strand). Cytogenetic location: 12q23.1.
Variant type: single nucleotide variant.
Coding change: c.565+2067C>G on transcript NM_001032283.3 (MANE Select); 2067 bases into the intron after coding-DNA position 565, C replaced by G.
Molecular consequence: intron variant. On other transcripts: missense variant (1).
Genome position (GRCh38, 1-based): chr12:98,533,905, C>G. VCF-style: chr12-98533905-C-G. GRCh37 (hg19) VCF-style: chr12-98927683-C-G.
Other names: c.1648C>G, p.Leu550Val (NM_003276.2); c.565+2067C>G (NM_001307975.2, NM_001032284.3); short protein forms L550V.
Identifiers: ClinVar variation 1426961 (VCV001426961.8), dbSNP rs745484180, ClinGen allele CA386153643.
Genomic context (GRCh38, chr12:98,533,905, plus strand): 5'-ATATTATCAGTTCCAAAAGTAGATGATGAAATCCTAGGGTTTATTTCTGAAGCCACTCCA[C>G]TAGGAGGTATTCAAGCAGCCTCCACTGAGTCTTGCAATCAGCAGTTGGACTTAGCACTCT-3'